The following is an entry in ClinVar:

ClinVar aggregate classification (germline): Uncertain significance (1 of 4 stars; one submission).

Submission:

Women's Health and Genetics/Laboratory Corporation of America, LabCorp
Classification: Uncertain significance. Last evaluated: 2026-06-30. Review status: criteria provided, single submitter. Criteria: LabCorp Variant Classification Summary - May 2015. Collection method: clinical testing. Allele origin: germline.
Comment: Variant summary: DYNC2H1 c.5334+6G>T alters a nucleotide located close to a canonical splice site and therefore could affect mRNA splicing, leading to a significantly altered protein sequence. Consensus agreement among computation tools predict no significant impact on normal splicing. However, these predictions have yet to be confirmed by functional studies. The variant was absent in 234816 control chromosomes. The available data on variant occurrences in the general population are insufficient to allow any conclusion about variant significance. To our knowledge, no occurrence of c.5334+6G>T in individuals affected with DYNC2H1-related conditions and no experimental evidence demonstrating its impact on protein function have been reported. No submitters have cited clinical-significance assessments for this variant to ClinVar. Based on the evidence outlined above, the variant was classified as uncertain significance.

NM_001377.3(DYNC2H1):c.5334+6G>T

Gene: DYNC2H1 (dynein cytoplasmic 2 heavy chain 1; plus strand). Cytogenetic location: 11q22.3.
Variant type: single nucleotide variant.
Coding change: c.5334+6G>T on transcript NM_001377.3 (MANE Select); 6 bases into the intron after coding-DNA position 5334, G replaced by T.
Molecular consequence: intron variant.
Genome position (GRCh38, 1-based): chr11:103,171,074, G>T. VCF-style: chr11-103171074-G-T. GRCh37 (hg19) VCF-style: chr11-103041803-G-T.
Other names: c.5334+6G>T (NM_001080463.2).
Identifiers: ClinVar variation 4887751 (VCV004887751.1).